The following is an entry in ClinVar:

NM_003102.4(SOD3):c.211C>T (p.Leu71=)

Gene: SOD3 (superoxide dismutase 3; plus strand). Cytogenetic location: 4p15.2.
Variant type: single nucleotide variant.
Coding change: c.211C>T on transcript NM_003102.4 (MANE Select); coding-DNA position 211, C replaced by T.
Protein change: p.Leu71=; no amino-acid change (leucine 71 retained).
Molecular consequence: synonymous variant.
Genome position (GRCh38, 1-based): chr4:24,799,732, C>T. VCF-style: chr4-24799732-C-T. GRCh37 (hg19) VCF-style: chr4-24801354-C-T.
Identifiers: ClinVar variation 3060611 (VCV003060611.2), dbSNP rs8192291, ClinGen allele CA2876237.

ClinVar aggregate classification (germline): Benign (0 of 4 stars; one submission).

Conditions:
SOD3-related disorder. Also called: SOD3-related condition.

Allele frequency attached by ClinVar (database versions not stated): ESP Exome Variant Server 0.13054; gnomAD 0.17203; TOPMed 0.17511; 1000 Genomes Project 30x 0.19332; gnomAD exomes 0.19714; 1000 Genomes Project 0.19848; ExAC 0.24981.

Submission:

PreventionGenetics, part of Exact Sciences
Classification: Benign for SOD3-related condition. Last evaluated: 2019-10-21. Review status: no assertion criteria provided. Collection method: clinical testing. Allele origin: germline.
Comment: This variant is classified as benign based on ACMG/AMP sequence variant interpretation guidelines (Richards et al. 2015 PMID: 25741868, with internal and published modifications).